The following is an entry in ClinVar:

ClinVar aggregate classification (germline): Uncertain significance (1 of 4 stars; one submission).

Conditions:
Inborn genetic diseases. Identifiers: MedGen C0950123, MeSH D030342.

Allele frequency attached by ClinVar (database versions not stated): gnomAD exomes below 0.00001.
gnomAD v4.1: 3 of 1,613,832 alleles (0.00019%); highest among the groups gnomAD compares: Non-Finnish European, 0.00025%; no homozygotes.

Submission:

Ambry Genetics
Classification: Uncertain significance for Inborn genetic diseases. Last evaluated: 2019-11-21. Review status: criteria provided, single submitter. Criteria: Ambry Variant Classification Scheme 2023. Collection method: clinical testing. Allele origin: germline.
Comment: The p.A497V variant (also known as c.1490C>T), located in coding exon 10 of the SCN9A gene, results from a C to T substitution at nucleotide position 1490. The alanine at codon 497 is replaced by valine, an amino acid with similar properties. This amino acid position is poorly conserved in available vertebrate species. In addition, this alteration is predicted to be tolerated by in silico analysis. Since supporting evidence is limited at this time, the clinical significance of this alteration remains unclear.

NM_001365536.1(SCN9A):c.1490C>T (p.Ala497Val)

Genes: SCN1A-AS1 (SCN1A and SCN9A antisense RNA 1; plus strand), SCN9A (sodium voltage-gated channel alpha subunit 9; minus strand). Cytogenetic location: 2q24.3.
Variant type: single nucleotide variant.
Coding change: c.1490C>T on transcript NM_001365536.1 (MANE Select); coding-DNA position 1490, C replaced by T.
Protein change: p.Ala497Val; replaces alanine 497 with valine.
Molecular consequence: missense variant.
Genome position (GRCh38, 1-based): chr2:166,286,448, G>A on the plus strand (C>T on the coding strand, the complement: SCN9A is on the minus strand). VCF-style: chr2-166286448-G-A. GRCh37 (hg19) VCF-style: chr2-167142958-G-A.
Other names: c.1490C>T, p.Ala497Val (NM_002977.4); short protein forms A497V.
Identifiers: ClinVar variation 1773771 (VCV001773771.2), dbSNP rs1697747338, ClinGen allele CA349084622.
Genomic context (GRCh38, chr2:166,286,448, plus strand): 5'-CCAAGGTGGAAACTTTTTCTTCTGATGCTGTCCTCTGATTCTGATTTCGACAATTTCTCA[G>A]CATCTCCCTTTTCCTCTCCACTGGAGAGCTTCTTTTGATTCTTTTTCTTTCTTCTGTTTC-3'
Protein context (NP_001352465.1, residues 487-507): KLSSGEEKGD[Ala497Val]EKLSKSESED